The following is an entry in ClinVar:

ClinVar aggregate classification (germline): Uncertain significance. Review status: criteria provided, multiple submitters, no conflicts (2 of 4 stars). 3 submissions from 3 submitters: Uncertain significance (3). Last evaluated 2025-04-13.

Conditions:
CEP164-related disorder. Also called: CEP164-related condition.
Inborn genetic diseases. Identifiers: MedGen C0950123, MeSH D030342.
Nephronophthisis 15 (NPHP15). Identifiers: Orphanet 3156, MedGen C3541853, MONDO:0013917, OMIM 614845.

gnomAD v4.1: 1 of 1,613,582 alleles (0.000062%); highest among the groups gnomAD compares: Non-Finnish European, 0.000085%; no homozygotes.

Submissions (3):

PreventionGenetics, part of Exact Sciences
Classification: Uncertain significance for CEP164-related condition. Last evaluated: 2025-04-13. Review status: criteria provided, single submitter. Criteria: ACMG Guidelines, 2015. Collection method: clinical testing. Allele origin: germline.
Comment: The CEP164 c.67A>G variant is predicted to result in the amino acid substitution p.Ile23Val. To our knowledge, this variant has not been reported in the literature or in a large population database (gnomAD), indicating this variant is rare. At this time, the clinical significance of this variant is uncertain due to the absence of conclusive functional and genetic evidence.

Ambry Genetics
Classification: Uncertain significance for Inborn genetic diseases. Last evaluated: 2025-02-21. Review status: criteria provided, single submitter. Criteria: Ambry Variant Classification Scheme 2023. Collection method: clinical testing. Allele origin: germline.

Labcorp Genetics (formerly Invitae), Labcorp
Classification: Uncertain significance for Nephronophthisis 15. Last evaluated: 2022-07-25. Review status: criteria provided, single submitter. Criteria: Invitae Variant Classification Sherloc (09022015). Collection method: clinical testing. Allele origin: germline.
Comment: ClinVar contains an entry for this variant (Variation ID: 1460780). In summary, the available evidence is currently insufficient to determine the role of this variant in disease. Therefore, it has been classified as a Variant of Uncertain Significance. Algorithms developed to predict the effect of missense changes on protein structure and function output the following: SIFT: "Tolerated"; PolyPhen-2: "Benign"; Align-GVGD: "Class C0". The valine amino acid residue is found in multiple mammalian species, which suggests that this missense change does not adversely affect protein function. This variant has not been reported in the literature in individuals affected with CEP164-related conditions. This variant is not present in population databases (gnomAD no frequency). This sequence change replaces isoleucine, which is neutral and non-polar, with valine, which is neutral and non-polar, at codon 23 of the CEP164 protein (p.Ile23Val).

NM_014956.5(CEP164):c.67A>G (p.Ile23Val)

Gene: CEP164 (centrosomal protein 164; plus strand). Cytogenetic location: 11q23.3.
Variant type: single nucleotide variant.
Coding change: c.67A>G on transcript NM_014956.5 (MANE Select); coding-DNA position 67, A replaced by G.
Protein change: p.Ile23Val; replaces isoleucine 23 with valine.
Molecular consequence: missense variant.
Genome position (GRCh38, 1-based): chr11:117,338,653, A>G. VCF-style: chr11-117338653-A-G. GRCh37 (hg19) VCF-style: chr11-117209369-A-G.
Other names: c.67A>G, p.Ile23Val (NM_001271933.2); c.67A>G (NM_014956.4); short protein forms I23V.
Identifiers: ClinVar variation 1460780 (VCV001460780.7), dbSNP rs2135058910, ClinGen allele CA382719203.